The following is an entry in ClinVar:

ClinVar aggregate classification (germline): Uncertain significance (1 of 4 stars; one submission).

Conditions:
Hereditary cancer-predisposing syndrome. Also called: Neoplastic Syndromes, Hereditary; Tumor predisposition; Hereditary neoplastic syndrome; Hereditary Cancer Syndrome. Identifiers: Orphanet 140162, MedGen C0027672, MeSH D009386, MONDO:0015356.

Submission:

Ambry Genetics
Classification: Uncertain significance for Hereditary cancer-predisposing syndrome. Last evaluated: 2023-02-17. Review status: criteria provided, single submitter. Criteria: Ambry Variant Classification Scheme 2023. Collection method: clinical testing. Allele origin: germline.
Comment: The p.N1546K variant (also known as c.4638T>A), located in coding exon 15 of the APC gene, results from a T to A substitution at nucleotide position 4638. The asparagine at codon 1546 is replaced by lysine, an amino acid with similar properties. This amino acid position is conserved. In addition, in silico predictors for this gene do not accurately predict pathogenicity. Since supporting evidence is limited at this time, the clinical significance of this alteration remains unclear.

NM_000038.6(APC):c.4638T>A (p.Asn1546Lys)

Gene: APC (APC regulator of Wnt signaling pathway; plus strand). Cytogenetic location: 5q22.2.
Variant type: single nucleotide variant.
Coding change: c.4638T>A on transcript NM_000038.6 (MANE Select); coding-DNA position 4638, T replaced by A.
Protein change: p.Asn1546Lys; replaces asparagine 1546 with lysine.
Molecular consequence: missense variant. On other transcripts: non-coding transcript variant (2).
Genome position (GRCh38, 1-based): chr5:112,840,232, T>A. VCF-style: chr5-112840232-T-A. GRCh37 (hg19) VCF-style: chr5-112175929-T-A.
Other names: c.4638T>A, p.Asn1546Lys (NM_001127510.3, NM_001354895.2, NM_001407450.1); c.4584T>A, p.Asn1528Lys (NM_001127511.3); c.4692T>A, p.Asn1564Lys (NM_001354896.2, NM_001407447.1, NM_001407448.1 and 1 more transcripts); c.4668T>A, p.Asn1556Lys (NM_001354897.2); c.4563T>A, p.Asn1521Lys (NM_001354898.2); c.4554T>A, p.Asn1518Lys (NM_001354899.2); c.4515T>A, p.Asn1505Lys (NM_001354900.2); c.4461T>A, p.Asn1487Lys (NM_001354901.2, NM_001407453.1); and 11 more; short protein forms N1162K, N1386K, N1417K, N1455K, N1487K, N1521K, N1528K, N1574K.
Identifiers: ClinVar variation 2452745 (VCV002452745.2), dbSNP rs1554086032, ClinGen allele CA16031493.
Genomic context (GRCh38, chr5:112,840,232, plus strand): 5'-TCCAGTTCAGGAAAATGACAATGGGAATGAAACAGAATCAGAGCAGCCTAAAGAATCAAA[T>A]GAAAACCAAGAGAAAGAGGCAGAAAAAACTATTGATTCTGAAAAGGACCTATTAGATGAT-3'
Protein context (NP_000029.2, residues 1536-1556): ETESEQPKES[Asn1546Lys]ENQEKEAEKT